The following is an entry in ClinVar:

NM_001134831.2(AHI1):c.2970dup (p.Arg991fs)

Gene: AHI1 (Abelson helper integration site 1; minus strand). Cytogenetic location: 6q23.3.
Variant type: Duplication.
Coding change: c.2970dup on transcript NM_001134831.2 (MANE Select); coding-DNA position 2970, one base duplicated (A; older notation c.2970dupA).
Protein change: p.Arg991fs; shifts the reading frame from arginine 991.
Molecular consequence: frameshift variant.
Genome position (GRCh38, 1-based): chr6:135,404,969, T duplicated on the plus strand (A on the coding strand, the reverse complement: AHI1 is on the minus strand). VCF-style (leftmost placement, unchanged base first): chr6-135404968-G-GT. GRCh37 (hg19) VCF-style: chr6-135726106-G-GT.
Other names: c.2970dup, p.Arg991fs (NM_001134830.2, NM_001134832.2, NM_001350503.2 and 2 more transcripts); short protein forms R991fs.
Identifiers: ClinVar variation 1458190 (VCV001458190.7), dbSNP rs1780545912, ClinGen allele CA1665900324.

ClinVar aggregate classification (germline): Pathogenic. Review status: criteria provided, multiple submitters, no conflicts (2 of 4 stars). 2 submissions from 2 submitters: Pathogenic (2). Last evaluated 2026-04-16.

Conditions:
Joubert syndrome. Also called: Familial aplasia of the vermis; JOUBERT-BOLTSHAUSER SYNDROME. Identifiers: Orphanet 475, MedGen C5979921, MONDO:0018772.
Joubert syndrome 3 (JBTS3). Also called: AHI1-related Ciliopathy. Identifiers: Orphanet 220493, MedGen C1837713, MONDO:0012078, OMIM 608629.

Submissions (2):

Myriad Genetics, Inc.
Classification: Pathogenic for Joubert syndrome 3. Last evaluated: 2026-04-16. Review status: criteria provided, single submitter. Criteria: Myriad Autosomal Dominant, Autosomal Recessive and X-Linked Classification Criteria (2023). Collection method: clinical testing. Allele origin: unknown.
Comment: NM_001134831.1(AHI1):c.2970dupA(R991Tfs*25) is a frameshift variant classified as pathogenic in the context of Joubert syndrome, AHI1-related. R991Tfs*25 has not been observed in cases with relevant disease. Relevant functional assessments of this variant are not available in the literature. R991Tfs*25 has not been observed in referenced population frequency databases. In summary, NM_001134831.1(AHI1):c.2970dupA(R991Tfs*25) is a frameshift variant in a gene where loss of function is a known mechanism of disease and is predicted to disrupt protein function. Please note: this variant was assessed in the context of healthy population screening.

Labcorp Genetics (formerly Invitae), Labcorp
Classification: Pathogenic for Joubert syndrome. Last evaluated: 2022-10-13. Review status: criteria provided, single submitter. Criteria: Invitae Variant Classification Sherloc (09022015). Collection method: clinical testing. Allele origin: germline.
Comment: This variant has not been reported in the literature in individuals affected with AHI1-related conditions. For these reasons, this variant has been classified as Pathogenic. ClinVar contains an entry for this variant (Variation ID: 1458190). This variant is not present in population databases (gnomAD no frequency). This sequence change creates a premature translational stop signal (p.Arg991Thrfs*25) in the AHI1 gene. It is expected to result in an absent or disrupted protein product. Loss-of-function variants in AHI1 are known to be pathogenic (PMID: 15322546, 16453322, 28442542, 29186038).

Literature cited by the submitters: PubMed 15322546 (cited by Labcorp Genetics (formerly Invitae), Labcorp); PubMed 16453322 (cited by Labcorp Genetics (formerly Invitae), Labcorp); PubMed 28442542 (cited by Labcorp Genetics (formerly Invitae), Labcorp); PubMed 29186038 (cited by Labcorp Genetics (formerly Invitae), Labcorp).